The following is an entry in ClinVar:

ClinVar aggregate classification (germline): Likely benign (1 of 4 stars; one submission).

Allele frequency attached by ClinVar (database versions not stated): gnomAD exomes 0.00001; ExAC 0.00004; gnomAD 0.00005; TOPMed 0.00006; ESP Exome Variant Server 0.00017.
gnomAD v4.1: 19 of 1,613,770 alleles (0.0012%); highest among the groups gnomAD compares: African/African-American, 0.023%; no homozygotes.

Submission:

CeGaT Center for Human Genetics Tuebingen
Classification: Likely benign. Last evaluated: 2022-05-01. Review status: criteria provided, single submitter. Criteria: CeGaT Center For Human Genetics Tuebingen Variant Classification Criteria Version 2. Collection method: clinical testing. Allele origin: germline. Affected: yes. Observed: 1 variant allele.
Comment: DNAJC7: BP4, BP7

NM_003315.4(DNAJC7):c.387T>C (p.Asn129=)

Gene: DNAJC7 (DnaJ heat shock protein family (Hsp40) member C7; minus strand). Cytogenetic location: 17q21.2.
Variant type: single nucleotide variant.
Coding change: c.387T>C on transcript NM_003315.4 (MANE Select); coding-DNA position 387, T replaced by C.
Protein change: p.Asn129=; no amino-acid change (asparagine 129 retained).
Molecular consequence: synonymous variant. On other transcripts: non-coding transcript variant (1).
Genome position (GRCh38, 1-based): chr17:41,996,329, A>G on the plus strand (T>C on the coding strand, the complement: DNAJC7 is on the minus strand). VCF-style: chr17-41996329-A-G. GRCh37 (hg19) VCF-style: chr17-40148347-A-G.
Other names: c.219T>C, p.Asn73= (NM_001144766.3).
Identifiers: ClinVar variation 2647780 (VCV002647780.24), dbSNP rs369843598, ClinGen allele CA8569982.